The following is an entry in ClinVar:

ClinVar aggregate classification (germline): Uncertain significance (1 of 4 stars; one submission).

Allele frequency attached by ClinVar (database versions not stated): gnomAD 0.00001; gnomAD exomes 0.00001; TOPMed 0.00001.
gnomAD v4.1: 9 of 1,614,050 alleles (0.00056%); highest among the groups gnomAD compares: Admixed American, 0.0033%; no homozygotes.

Submission:

Labcorp Genetics (formerly Invitae), Labcorp
Classification: Uncertain significance. Last evaluated: 2021-03-10. Review status: criteria provided, single submitter. Criteria: Invitae Variant Classification Sherloc (09022015). Collection method: clinical testing. Allele origin: germline.
Comment: This variant is not present in population databases (ExAC no frequency). This variant has not been reported in the literature in individuals with RUSC2-related conditions. Algorithms developed to predict the effect of missense changes on protein structure and function (SIFT, PolyPhen-2, Align-GVGD) all suggest that this variant is likely to be disruptive, but these predictions have not been confirmed by published functional studies and their clinical significance is uncertain. In summary, the available evidence is currently insufficient to determine the role of this variant in disease. Therefore, it has been classified as a Variant of Uncertain Significance. This sequence change replaces lysine with glutamic acid at codon 1053 of the RUSC2 protein (p.Lys1053Glu). The lysine residue is highly conserved and there is a small physicochemical difference between lysine and glutamic acid.

NM_014806.5(RUSC2):c.3157A>G (p.Lys1053Glu)

Gene: RUSC2 (RUN and SH3 domain containing 2; plus strand). Cytogenetic location: 9p13.3.
Variant type: single nucleotide variant.
Coding change: c.3157A>G on transcript NM_014806.5 (MANE Select); coding-DNA position 3157, A replaced by G.
Protein change: p.Lys1053Glu; replaces lysine 1053 with glutamic acid.
Molecular consequence: missense variant. On other transcripts: non-coding transcript variant (1).
Genome position (GRCh38, 1-based): chr9:35,558,293, A>G. VCF-style: chr9-35558293-A-G. GRCh37 (hg19) VCF-style: chr9-35558290-A-G.
Other names: c.3157A>G, p.Lys1053Glu (NM_001135999.2); c.523A>G, p.Lys175Glu (NM_001330740.2); short protein forms K1053E, K175E.
Identifiers: ClinVar variation 1391003 (VCV001391003.7), dbSNP rs897616960, ClinGen allele CA192756821.